The following is an entry in ClinVar:

NM_015202.5(KATNIP):c.395G>A (p.Arg132Gln)

Gene: KATNIP (katanin interacting protein; plus strand). Cytogenetic location: 16p12.1.
Variant type: single nucleotide variant.
Coding change: c.395G>A on transcript NM_015202.5 (MANE Select); coding-DNA position 395, G replaced by A.
Protein change: p.Arg132Gln; replaces arginine 132 with glutamine.
Molecular consequence: missense variant.
Genome position (GRCh38, 1-based): chr16:27,631,149, G>A. VCF-style: chr16-27631149-G-A. GRCh37 (hg19) VCF-style: chr16-27642470-G-A.
Other names: c.395G>A (NM_015202.2); short protein forms R132Q.
Identifiers: ClinVar variation 3036283 (VCV003036283.3), dbSNP rs748470951, ClinGen allele CA7977302.

ClinVar aggregate classification (germline): Uncertain significance. Review status: criteria provided, single submitter (1 of 4 stars). 2 submissions from 2 submitters: Uncertain significance (1). 1 of the submissions does not count toward it. Last evaluated 2021-08-10.

Conditions:
KATNIP-related disorder. Also called: KATNIP-related condition.

Allele frequency attached by ClinVar (database versions not stated): gnomAD 0.00002; TOPMed 0.00002.
gnomAD v4.1: 24 of 1,568,204 alleles (0.0015%); highest among the groups gnomAD compares: South Asian, 0.0035%; no homozygotes.

Submissions (2):

Ambry Genetics
Classification: Uncertain significance. Last evaluated: 2021-08-10. Review status: criteria provided, single submitter. Criteria: Ambry Variant Classification Scheme 2023. Collection method: clinical testing. Allele origin: germline.

PreventionGenetics, part of Exact Sciences
Classification: Uncertain significance for KATNIP-related condition. Last evaluated: 2023-11-09. Review status: no assertion criteria provided. Collection method: clinical testing. Allele origin: germline. Not counted in ClinVar's aggregate classification.
Comment: The KATNIP c.395G>A variant is predicted to result in the amino acid substitution p.Arg132Gln. To our knowledge, this variant has not been reported in the literature. This variant is reported in 0.0052% of alleles in individuals of African descent in gnomAD. At this time, the clinical significance of this variant is uncertain due to the absence of conclusive functional and genetic evidence.